The following is an entry in ClinVar:

ClinVar aggregate classification (germline): Uncertain significance (1 of 4 stars; one submission).

Conditions:
Cardiovascular phenotype. Identifiers: MedGen CN230736.

Submission:

Ambry Genetics
Classification: Uncertain significance for Cardiovascular phenotype. Last evaluated: 2023-11-16. Review status: criteria provided, single submitter. Criteria: Ambry Variant Classification Scheme 2023. Collection method: clinical testing. Allele origin: germline.
Comment: The p.R139L variant (also known as c.416G>T), located in coding exon 9 of the TNNT2 gene, results from a G to T substitution at nucleotide position 416. The arginine at codon 139 is replaced by leucine, an amino acid with dissimilar properties. Another alteration at the same codon, p.R139H (c.416G>A), has been detected in several individuals with dilated cardiomyopathy (DCM) (Morales A et al. Clin Transl Sci, 2010 Oct;3:219-26; Walsh R et al. Genet Med, 2017 Feb;19:192-203; Li Z et al. Heart Rhythm, 2020 Feb;17:305-312; Verdonschot JAJ et al. Circ Genom Precis Med, 2020 Oct;13:476-487; Ware SM et al. Am J Hum Genet, 2022 Feb;109:282-298). This amino acid position is highly conserved in available vertebrate species. In addition, this alteration is predicted to be deleterious by in silico analysis. Since supporting evidence is limited at this time, the clinical significance of this alteration remains unclear.

NM_001276345.2(TNNT2):c.446G>T (p.Arg149Leu)

Gene: TNNT2 (troponin T2, cardiac type; minus strand). Cytogenetic location: 1q32.1.
Variant type: single nucleotide variant.
Coding change: c.446G>T on transcript NM_001276345.2 (MANE Select); coding-DNA position 446, G replaced by T.
Protein change: p.Arg149Leu; replaces arginine 149 with leucine.
Molecular consequence: missense variant.
Genome position (GRCh38, 1-based): chr1:201,364,341, C>A on the plus strand (G>T on the coding strand, the complement: TNNT2 is on the minus strand). VCF-style: chr1-201364341-C-A. GRCh37 (hg19) VCF-style: chr1-201333469-C-A.
Other names: c.446G>T, p.Arg149Leu (NM_000364.4, NM_001406723.1); c.416G>T, p.Arg139Leu (NM_001001430.3, NM_001001431.3, NM_001276347.2 and 3 more transcripts); c.401G>T, p.Arg134Leu (NM_001001432.3, NM_001406728.1); c.326G>T, p.Arg109Leu (NM_001276346.2); c.413G>T, p.Arg138Leu (NM_001406725.1); short protein forms R109L, R134L, R138L, R139L, R149L.
Identifiers: ClinVar variation 3232328 (VCV003232328.1), dbSNP rs397516466, ClinGen allele CA344205809.